The following is an entry in ClinVar:

ClinVar aggregate classification (germline): Uncertain significance (1 of 4 stars; one submission).

Conditions:
Ulnar-mammary syndrome (UMS). Also called: Ulnar-mammary syndrome of Pallister; SCHINZEL SYNDROME; PALLISTER ULNAR-MAMMARY SYNDROME. Identifiers: Orphanet 3138, MedGen C1866994, MONDO:0008411, OMIM 181450.

Submission:

Labcorp Genetics (formerly Invitae), Labcorp
Classification: Uncertain significance for Ulnar-mammary syndrome. Last evaluated: 2025-09-14. Review status: criteria provided, single submitter. Criteria: Invitae Variant Classification Sherloc (09022015). Collection method: clinical testing. Allele origin: germline.
Comment: This sequence change replaces isoleucine, which is neutral and non-polar, with asparagine, which is neutral and polar, at codon 625 of the TBX3 protein (p.Ile625Asn). This variant is not present in population databases (gnomAD no frequency). This variant has not been reported in the literature in individuals affected with TBX3-related conditions. An algorithm developed to predict the effect of missense changes on protein structure and function (PolyPhen-2) suggests that this variant is likely to be disruptive. In summary, the available evidence is currently insufficient to determine the role of this variant in disease. Therefore, it has been classified as a Variant of Uncertain Significance.

NM_005996.4(TBX3):c.1874T>A (p.Ile625Asn)

Gene: TBX3 (T-box transcription factor 3; minus strand). Cytogenetic location: 12q24.21.
Variant type: single nucleotide variant.
Coding change: c.1874T>A on transcript NM_005996.4 (MANE Select); coding-DNA position 1874, T replaced by A.
Protein change: p.Ile625Asn; replaces isoleucine 625 with asparagine.
Molecular consequence: missense variant.
Genome position (GRCh38, 1-based): chr12:114,672,139, A>T on the plus strand (T>A on the coding strand, the complement: TBX3 is on the minus strand). VCF-style: chr12-114672139-A-T. GRCh37 (hg19) VCF-style: chr12-115109944-A-T.
Other names: c.1934T>A, p.Ile645Asn (NM_016569.4); short protein forms I645N, I625N.
Identifiers: ClinVar variation 4770251 (VCV004770251.1).